The following is an entry in ClinVar:

NM_005481.3(MED16):c.383G>C (p.Gly128Ala)

Gene: MED16 (mediator complex subunit 16; minus strand). Cytogenetic location: 19p13.3.
Variant type: single nucleotide variant.
Coding change: c.383G>C on transcript NM_005481.3 (MANE Select); coding-DNA position 383, G replaced by C.
Protein change: p.Gly128Ala; replaces glycine 128 with alanine.
Molecular consequence: missense variant.
Genome position (GRCh38, 1-based): chr19:889,702, C>G on the plus strand (G>C on the coding strand, the complement: MED16 is on the minus strand). VCF-style: chr19-889702-C-G. GRCh37 (hg19) VCF-style: chr19-889702-C-G.
Other names: short protein forms G128A.
Identifiers: ClinVar variation 4975644 (VCV004975644.1).

ClinVar aggregate classification (germline): Uncertain significance (1 of 4 stars; one submission).

gnomAD v4.1: 10 of 1,613,858 alleles (0.00062%); highest among the groups gnomAD compares: Non-Finnish European, 0.00085%; no homozygotes.

Submission:

GeneDx
Classification: Uncertain significance. Last evaluated: 2026-01-25. Review status: criteria provided, single submitter. Criteria: GeneDx Variant Classification Process June 2021. Collection method: clinical testing. Allele origin: germline.
Comment: Not observed at significant frequency in large population cohorts (gnomAD); In silico analysis supports that this missense variant has a deleterious effect on protein structure/function; Has not been previously published as pathogenic or benign to our knowledge